The following is an entry in ClinVar:

NM_000465.4(BARD1):c.1762C>G (p.Leu588Val)

Gene: BARD1 (BRCA1 associated RING domain 1; minus strand). Cytogenetic location: 2q35.
Variant type: single nucleotide variant.
Coding change: c.1762C>G on transcript NM_000465.4 (MANE Select); coding-DNA position 1762, C replaced by G.
Protein change: p.Leu588Val; replaces leucine 588 with valine.
Molecular consequence: missense variant. On other transcripts: non-coding transcript variant (3), intron variant (1).
Genome position (GRCh38, 1-based): chr2:214,745,770, G>C on the plus strand (C>G on the coding strand, the complement: BARD1 is on the minus strand). VCF-style: chr2-214745770-G-C. GRCh37 (hg19) VCF-style: chr2-215610494-G-C.
Other names: c.1705C>G, p.Leu569Val (NM_001282543.2); c.409C>G, p.Leu137Val (NM_001282545.2); c.352C>G, p.Leu118Val (NM_001282548.2); c.365-15262C>G (NM_001282549.2); short protein forms L588V, L137V, L118V, L569V.
Identifiers: ClinVar variation 1034695 (VCV001034695.9), dbSNP rs559584913, ClinGen allele CA350452836.

ClinVar aggregate classification (germline): Uncertain significance (1 of 4 stars; one submission).

Conditions:
Familial cancer of breast. Also called: Hereditary breast cancer; BREAST CANCER, FAMILIAL; hereditary breast carcinoma. Identifiers: Orphanet 227535, MedGen C0346153, MONDO:0016419, OMIM 114480. Disease mechanism: loss of function.

Allele frequency attached by ClinVar (database versions not stated): gnomAD exomes below 0.00001.
gnomAD v4.1: 2 of 1,613,944 alleles (0.00012%); highest among the groups gnomAD compares: African/African-American, 0.0013%; no homozygotes.

Submission:

Labcorp Genetics (formerly Invitae), Labcorp
Classification: Uncertain significance for Familial cancer of breast. Last evaluated: 2024-09-02. Review status: criteria provided, single submitter. Criteria: Invitae Variant Classification Sherloc (09022015). Collection method: clinical testing. Allele origin: germline.
Comment: This sequence change replaces leucine, which is neutral and non-polar, with valine, which is neutral and non-polar, at codon 588 of the BARD1 protein (p.Leu588Val). This variant is not present in population databases (gnomAD no frequency). This variant has not been reported in the literature in individuals affected with BARD1-related conditions. ClinVar contains an entry for this variant (Variation ID: 1034695). An algorithm developed to predict the effect of missense changes on protein structure and function (PolyPhen-2) suggests that this variant is likely to be disruptive. In summary, the available evidence is currently insufficient to determine the role of this variant in disease. Therefore, it has been classified as a Variant of Uncertain Significance.